The following is an entry in ClinVar:

NM_006648.4(WNK2):c.2385G>T (p.Met795Ile)

Gene: WNK2 (WNK lysine deficient protein kinase 2; plus strand). Cytogenetic location: 9q22.31.
Variant type: single nucleotide variant.
Coding change: c.2385G>T on transcript NM_006648.4 (MANE Select); coding-DNA position 2385, G replaced by T.
Protein change: p.Met795Ile; replaces methionine 795 with isoleucine.
Molecular consequence: missense variant.
Genome position (GRCh38, 1-based): chr9:93,258,933, G>T. VCF-style: chr9-93258933-G-T. GRCh37 (hg19) VCF-style: chr9-96021215-G-T.
Other names: c.2385G>T, p.Met795Ile (NM_001282394.3); short protein forms M795I.
Identifiers: ClinVar variation 4605393 (VCV004605393.1).

ClinVar aggregate classification (germline): Uncertain significance (1 of 4 stars; one submission).

gnomAD v4.1: 5 of 1,609,926 alleles (0.00031%); highest among the groups gnomAD compares: Non-Finnish European, 0.00042%; no homozygotes.

Submission:

Ambry Genetics
Classification: Uncertain significance. Last evaluated: 2025-11-25. Review status: criteria provided, single submitter. Criteria: Ambry Variant Classification Scheme 2023. Collection method: clinical testing. Allele origin: germline.
Comment: The p.M795I variant (also known as c.2385G>T), located in coding exon 11 of the WNK2 gene, results from a G to T substitution at nucleotide position 2385. The methionine at codon 795 is replaced by isoleucine, an amino acid with highly similar properties. This amino acid position is conserved. In addition, this alteration is predicted to be tolerated by in silico analysis. Based on the available evidence, the clinical significance of this variant remains unclear.